The following is an entry in ClinVar:

NM_001164508.2(NEB):c.6594T>A (p.Tyr2198Ter)

Gene: NEB (nebulin; minus strand). Cytogenetic location: 2q23.3.
Variant type: single nucleotide variant.
Coding change: c.6594T>A on transcript NM_001164508.2 (MANE Select); coding-DNA position 6594, T replaced by A.
Protein change: p.Tyr2198Ter; replaces tyrosine 2198 with a stop codon.
Molecular consequence: nonsense.
Genome position (GRCh38, 1-based): chr2:151,655,925, A>T on the plus strand (T>A on the coding strand, the complement: NEB is on the minus strand). VCF-style: chr2-151655925-A-T. GRCh37 (hg19) VCF-style: chr2-152512439-A-T.
Other names: c.6594T>A, p.Tyr2198Ter (NM_001164507.2, NM_001271208.2, NM_004543.5); short protein forms Y2198*.
Identifiers: ClinVar variation 2432125 (VCV002432125.4), dbSNP rs2154147794, ClinGen allele CA348797287.
Genomic context (GRCh38, chr2:151,655,925, plus strand): 5'-ATCAGTCAGCTTCTTAAACTGGAAGTTGCTCGGGTGCTGGCGGTATTTCTGATCACTGGC[A>T]TATTCAGTTGCTTTCTTGGCCTTCTCCACTTCCAGAGAACCTGCTGGACTCCAGCCAAGC-3'

ClinVar aggregate classification (germline): Pathogenic/Likely pathogenic. Review status: criteria provided, multiple submitters, no conflicts (2 of 4 stars). 2 submissions from 2 submitters: Pathogenic (1); Likely pathogenic (1). Last evaluated 2025-12-03.

Conditions:
Nemaline myopathy 2 (NEM2). Also called: Nemaline myopathy 2, autosomal recessive. Identifiers: MedGen C1850569, MONDO:0009725, OMIM 256030.

Submissions (2):

Labcorp Genetics (formerly Invitae), Labcorp
Classification: Pathogenic for Nemaline myopathy 2. Last evaluated: 2025-12-03. Review status: criteria provided, single submitter. Criteria: Invitae Variant Classification Sherloc (09022015). Collection method: clinical testing. Allele origin: germline.
Comment: This sequence change creates a premature translational stop signal (p.Tyr2198*) in the NEB gene. It is expected to result in an absent or disrupted protein product. Loss-of-function variants in NEB are known to be pathogenic (PMID: 25205138). This variant is not present in population databases (gnomAD no frequency). This variant has not been reported in the literature in individuals affected with NEB-related conditions. ClinVar contains an entry for this variant (Variation ID: 2432125). For these reasons, this variant has been classified as Pathogenic.

Revvity Omics, Revvity
Classification: Likely pathogenic. Last evaluated: 2021-12-29. Review status: criteria provided, single submitter. Criteria: ACMG Guidelines, 2015. Collection method: clinical testing. Allele origin: germline.

Literature cited by the submitters: PubMed 25205138 (cited by Labcorp Genetics (formerly Invitae), Labcorp).